The following is an entry in ClinVar:

ClinVar aggregate classification (germline): Likely pathogenic (1 of 4 stars; one submission).

Conditions:
Glycogen storage disease IXa1. Also called: LIVER GLYCOGENOSIS, X-LINKED, TYPE I; GLYCOGEN STORAGE DISEASE VIII; GSD VIII; Glycogen storage disease 8. Identifiers: Orphanet 264580, MedGen C3694531, MONDO:0010598, OMIM 306000.

Submission:

Medical Genetic Diagnosis and Therapy Center, Fujian Medical University
Classification: Likely pathogenic for Glycogen storage disease IXa1. Last evaluated: 2025-10-27. Review status: criteria provided, single submitter. Criteria: ACMG Guidelines, 2015. Collection method: clinical testing. Allele origin: germline. Affected: yes.
Comment: LP: PM2+PM4+PP4+PS4_P. This variant has been reported in the following publication(s): [1] Vega A I, Medrano C, Navarrete R, et al. Molecular diagnosis of glycogen storage disease and disorders with overlapping clinical symptoms by massive parallel sequencing[J]. Genetics in medicine, 2016, 18(10): 1037-1043.

Literature cited by the submitters: PubMed 26913919.

NM_000292.3(PHKA2):c.2862_2864del (p.Leu955del)

Gene: PHKA2 (phosphorylase kinase regulatory subunit alpha 2; minus strand). Cytogenetic location: Xp22.13.
Variant type: Deletion.
Coding change: c.2862_2864del on transcript NM_000292.3 (MANE Select); coding-DNA positions 2862 to 2864, 3 bases deleted (CCT; older notation c.2862_2864delCCT).
Protein change: p.Leu955del; deletes leucine 955.
Molecular consequence: inframe deletion.
Genome position (GRCh38, 1-based): chrX:18,905,802-18,905,804, AGG deleted on the plus strand (CCT on the coding strand, the reverse complement: PHKA2 is on the minus strand); deleting any 3 consecutive bases within chrX:18,905,802-18,905,806 gives the same sequence; the c. name uses the placement nearest the transcript's 3' end. VCF-style (leftmost placement, unchanged base first): chrX-18905801-CAGG-C. GRCh37 (hg19) VCF-style: chrX-18923919-CAGG-C.
Other names: c.2862_2864del, p.Leu955del (NM_001440800.1, NM_001440801.1, NM_001440805.1); c.2763_2765del, p.Leu922del (NM_001440802.1, NM_001440803.1, NM_001440804.1); short protein forms L922del, L955del.
Identifiers: ClinVar variation 4528903 (VCV004528903.1).